The following is an entry in ClinVar:

NM_014159.7(SETD2):c.3439C>T (p.Gln1147Ter)

Gene: SETD2 (SET domain containing 2, histone lysine methyltransferase; minus strand). Cytogenetic location: 3p21.31.
Variant type: single nucleotide variant.
Coding change: c.3439C>T on transcript NM_014159.7 (MANE Select); coding-DNA position 3439, C replaced by T.
Protein change: p.Gln1147Ter; replaces glutamine 1147 with a stop codon.
Molecular consequence: nonsense. On other transcripts: non-coding transcript variant (1).
Genome position (GRCh38, 1-based): chr3:47,121,197, G>A on the plus strand (C>T on the coding strand, the complement: SETD2 is on the minus strand). VCF-style: chr3-47121197-G-A. GRCh37 (hg19) VCF-style: chr3-47162687-G-A.
Other names: c.3307C>T, p.Gln1103Ter (NM_001349370.3); short protein forms Q1103*, Q1147*.
Identifiers: ClinVar variation 2287559 (VCV002287559.2), dbSNP rs2106642261, ClinGen allele CA352522461.
Genomic context (GRCh38, chr3:47,121,197, plus strand): 5'-CATCACTCTGAGGATGAGAAAGTTCAGGCAGGCGATTATCTATTTGTTTTCTACTGGACT[G>A]TGTAAAAGAAATTTCCGGATTCTTCTCTGTTCCTTTATGAAGGAAAAACTTATCAGTTTG-3'

ClinVar aggregate classification (germline): Pathogenic (1 of 4 stars; one submission).

Conditions:
Inborn genetic diseases. Identifiers: MedGen C0950123, MeSH D030342.

Submission:

Ambry Genetics
Classification: Pathogenic for Inborn genetic diseases. Last evaluated: 2022-05-20. Review status: criteria provided, single submitter. Criteria: Ambry Variant Classification Scheme 2023. Collection method: clinical testing. Allele origin: germline.
Comment: The c.3439C>T (p.Q1147*) alteration, located in exon 3 (coding exon 3) of the SETD2 gene, consists of a C to T substitution at nucleotide position 3439. This changes the amino acid from a glutamine (Q) to a stop codon at amino acid position 1147. This alteration is expected to result in loss of function by premature protein truncation or nonsense-mediated mRNA decay. Although loss of function alterations in SETD2 have been associated with Luscan-Lumish syndrome, haploinsufficiency for SETD2 has not been established as a mechanism of disease for SETD2-related multiple congenital anomalies syndrome. Based on the available evidence, the SETD2 c.3439C>T (p.Q1147*) alteration is classified as pathogenic for Luscan-Lumish syndrome; however, its clinical significance for SET2D-related multiple congenital anomalies syndrome is unclear. This variant was not reported in population-based cohorts in the Genome Aggregation Database (gnomAD). Based on the available evidence, this alteration is classified as pathogenic.